The following is an entry in ClinVar:

NM_000088.4(COL1A1):c.3046-2A>C

Gene: COL1A1 (collagen type I alpha 1 chain; minus strand). Cytogenetic location: 17q21.33.
Variant type: single nucleotide variant.
Coding change: c.3046-2A>C on transcript NM_000088.4 (MANE Select); the canonical splice acceptor site of the intron before coding-DNA position 3046, A replaced by C.
Molecular consequence: splice acceptor variant.
Genome position (GRCh38, 1-based): chr17:50,188,797, T>G on the plus strand (A>C on the coding strand, the complement: COL1A1 is on the minus strand). VCF-style: chr17-50188797-T-G. GRCh37 (hg19) VCF-style: chr17-48266158-T-G.
Identifiers: ClinVar variation 2751648 (VCV002751648.4), dbSNP rs72653171, ClinGen allele CA400203464.

ClinVar aggregate classification (germline): Pathogenic. Review status: criteria provided, multiple submitters, no conflicts (2 of 4 stars). 2 submissions from 2 submitters: Pathogenic (2). Last evaluated 2025-11-03.

Conditions:
Osteogenesis imperfecta type I (OI1). Also called: OI, TYPE I; OSTEOGENESIS IMPERFECTA TARDA; OSTEOGENESIS IMPERFECTA WITH BLUE SCLERAE; Osteogenesis imperfecta type 1; Lobstein's Disease; Lobstein disease. Identifiers: Orphanet 216796, Orphanet 666, MedGen C0023931, MONDO:0008146, OMIM 166200. Disease mechanism: loss of function.
Osteogenesis imperfecta, perinatal lethal (OI2). Also called: Osteogenesis imperfecta type 2; Osteogenesis imperfecta, dominant perinatal lethal; OSTEOGENESIS IMPERFECTA, TYPE II; OI, TYPE II; OSTEOGENESIS IMPERFECTA CONGENITA; VROLIK TYPE OF OSTEOGENESIS IMPERFECTA. Identifiers: Orphanet 216804, MedGen C0268358, MONDO:0008147, OMIM 166210.
Osteogenesis imperfecta with normal sclerae, dominant form (OI4). Also called: OSTEOGENESIS IMPERFECTA, TYPE IV, WITH DENTINOGENESIS IMPERFECTA; OSTEOGENESIS IMPERFECTA WITH NORMAL SCLERAE; Osteogenesis imperfecta type 4; Osteogenesis Imperfecta Type IV; Common Variable Osteogenesis Imperfecta with Normal Sclerae. Identifiers: Orphanet 216820, Orphanet 666, MedGen C0268363, MONDO:0008148, OMIM 166220.
Osteogenesis imperfecta type III (OI3). Also called: Osteogenesis imperfecta type 3; OI type 3; Osteogenesis imperfecta, progressively deforming with normal sclerae; OI type III; Progressively Deforming Osteogenesis Imperfecta. Identifiers: Orphanet 216812, Orphanet 666, MedGen C0268362, MONDO:0009804, OMIM 259420.

Submissions (2):

Labcorp Genetics (formerly Invitae), Labcorp
Classification: Pathogenic for Osteogenesis imperfecta type I. Last evaluated: 2025-11-03. Review status: criteria provided, single submitter. Criteria: Invitae Variant Classification Sherloc (09022015). Collection method: clinical testing. Allele origin: germline.
Comment: This sequence change affects an acceptor splice site in intron 41 of the COL1A1 gene. It is expected to disrupt RNA splicing. Variants that disrupt the donor or acceptor splice site typically lead to a loss of protein function (PMID: 16199547), and loss-of-function variants in COL1A1 are known to be pathogenic (PMID: 7942841, 9295084, 9443882). This variant is not present in population databases (gnomAD no frequency). Disruption of this splice site has been observed in individual(s) with osteogenesis imperfecta type 1 (PMID: 15241796). ClinVar contains an entry for this variant (Variation ID: 2751648). Algorithms developed to predict the effect of sequence changes on RNA splicing suggest that this variant may disrupt the consensus splice site. For these reasons, this variant has been classified as Pathogenic.

Institute of Immunology and Genetics Kaiserslautern
Classification: Pathogenic for Osteogenesis imperfecta type I; Osteogenesis imperfecta, perinatal lethal; Osteogenesis imperfecta type III; Osteogenesis imperfecta with normal sclerae, dominant form. Last evaluated: 2025-10-07. Review status: criteria provided, single submitter. Criteria: ACMG Guidelines, 2015. Collection method: clinical testing. Allele origin: maternal. Affected: yes.
Comment: ACMG Criteria: PVS1, PM2, PP5 ; Variant was found in heterozygous state.

Literature cited by the submitters: PubMed 16199547 (cited by Labcorp Genetics (formerly Invitae), Labcorp); PubMed 7942841 (cited by Labcorp Genetics (formerly Invitae), Labcorp); PubMed 9295084 (cited by Labcorp Genetics (formerly Invitae), Labcorp); PubMed 9443882 (cited by Labcorp Genetics (formerly Invitae), Labcorp); PubMed 15241796 (cited by Labcorp Genetics (formerly Invitae), Labcorp).